The following is an entry in ClinVar:

ClinVar aggregate classification (germline): Pathogenic (1 of 4 stars; one submission).

Conditions:
Aortic valve disease 2 (AOVD2). Identifiers: MedGen C3542024, MONDO:0013902, OMIM 614823.

Submission:

Labcorp Genetics (formerly Invitae), Labcorp
Classification: Pathogenic for Aortic valve disease 2. Last evaluated: 2025-12-28. Review status: criteria provided, single submitter. Criteria: Invitae Variant Classification Sherloc (09022015). Collection method: clinical testing. Allele origin: germline.
Comment: This sequence change is expected to alter the c-terminus of the SMAD6 protein (p.Pro290Hisfs*249). While this is not anticipated to result in nonsense mediated decay, it is expected to disrupt the last 207 amino acid(s) of the SMAD6 protein and extend the protein by 41 additional amino acid residues. This variant is present in population databases (no rsID available, gnomAD 0.0009%). This frameshift has been observed in individual(s) with SMAD6-related conditions (internal data). This variant disrupts a region of the SMAD6 protein in which other variant(s) (p.Trp337*) have been determined to be pathogenic (PMID: 34953066). This suggests that this is a clinically significant region of the protein, and that variants that disrupt it are likely to be disease-causing. For these reasons, this variant has been classified as Pathogenic.

Literature cited by the submitters: PubMed 34953066.

NM_005585.5(SMAD6):c.869del (p.Pro290fs)

Gene: SMAD6 (SMAD family member 6; plus strand). Cytogenetic location: 15q22.31.
Variant type: Deletion.
Coding change: c.869del on transcript NM_005585.5 (MANE Select); coding-DNA position 869, one base deleted (C; older notation c.869delC).
Protein change: p.Pro290fs; shifts the reading frame from proline 290.
Molecular consequence: frameshift variant. On other transcripts: non-coding transcript variant (1).
Genome position (GRCh38, 1-based): chr15:66,711,719, C deleted; the last of 2 consecutive C bases (chr15:66,711,718-66,711,719); deleting either gives the same sequence. VCF-style (leftmost placement, unchanged base first): chr15-66711717-GC-G. GRCh37 (hg19) VCF-style: chr15-67004055-GC-G.
Other names: short protein forms P290fs.
Identifiers: ClinVar variation 4734294 (VCV004734294.1).